The following is an entry in ClinVar:

NM_001303052.2(MYT1L):c.3086C>G (p.Ser1029Ter)

Gene: MYT1L (myelin transcription factor 1 like; minus strand). Cytogenetic location: 2p25.3.
Variant type: single nucleotide variant.
Coding change: c.3086C>G on transcript NM_001303052.2 (MANE Select); coding-DNA position 3086, C replaced by G.
Protein change: p.Ser1029Ter; replaces serine 1029 with a stop codon.
Molecular consequence: nonsense.
Genome position (GRCh38, 1-based): chr2:1,809,162, G>C on the plus strand (C>G on the coding strand, the complement: MYT1L is on the minus strand). VCF-style: chr2-1809162-G-C. GRCh37 (hg19) VCF-style: chr2-1812934-G-C.
Other names: c.3080C>G, p.Ser1027Ter (NM_001329852.3, NM_015025.4, NM_001329846.3 and 3 more transcripts); c.3086C>G, p.Ser1029Ter (NM_001329844.2, NM_001329845.1, NM_001329851.3); short protein forms S1029*, S1027*.
Identifiers: ClinVar variation 4056327 (VCV004056327.2).
Genomic context (GRCh38, chr2:1,809,162, plus strand): 5'-AGCATCTGCTCTCCAGAAAGCTTTGCCTTCTTCATCGCTGACGTGGCTCTCGGGCATCCT[G>C]ACAAGCTGTGGACAAGACACAGGACGGCCATTAGTCAACTGTCTAATGTCCCAGCCCTGC-3'

ClinVar aggregate classification (germline): Pathogenic (1 of 4 stars; one submission).

Conditions:
Intellectual developmental disorder, autosomal dominant 39. Also called: Mental retardation, autosomal dominant 39; Intellectual disability, autosomal dominant 39. Identifiers: MedGen C4225296, MONDO:0014678, OMIM 616521.

Submission:

Institute of Human Genetics, University of Leipzig Medical Center
Classification: Pathogenic for Intellectual developmental disorder, autosomal dominant 39. Last evaluated: 2025-06-12. Review status: criteria provided, single submitter. Criteria: ACMG Guidelines, 2015. Collection method: clinical testing. Allele origin: de novo. Inheritance: Autosomal dominant inheritance. Affected: yes.
Comment: Criteria applied: PVS1,PS2_MOD,PM2